The following is an entry in ClinVar:

ClinVar aggregate classification (germline): Uncertain significance (1 of 4 stars; one submission).

Allele frequency attached by ClinVar (database versions not stated): TOPMed 0.00001.

Submission:

Labcorp Genetics (formerly Invitae), Labcorp
Classification: Uncertain significance. Last evaluated: 2023-10-13. Review status: criteria provided, single submitter. Criteria: Invitae Variant Classification Sherloc (09022015). Collection method: clinical testing. Allele origin: germline.
Comment: This sequence change replaces aspartic acid, which is acidic and polar, with asparagine, which is neutral and polar, at codon 352 of the RELB protein (p.Asp352Asn). The frequency data for this variant in the population databases is considered unreliable, as metrics indicate poor data quality at this position in the gnomAD database. This variant has not been reported in the literature in individuals affected with RELB-related conditions. ClinVar contains an entry for this variant (Variation ID: 1520217). An algorithm developed to predict the effect of missense changes on protein structure and function (PolyPhen-2) suggests that this variant is likely to be disruptive. In summary, the available evidence is currently insufficient to determine the role of this variant in disease. Therefore, it has been classified as a Variant of Uncertain Significance.

NM_006509.4(RELB):c.1054G>A (p.Asp352Asn)

Gene: RELB (RELB proto-oncogene, NF-kB subunit; plus strand). Cytogenetic location: 19q13.32.
Variant type: single nucleotide variant.
Coding change: c.1054G>A on transcript NM_006509.4 (MANE Select); coding-DNA position 1054, G replaced by A.
Protein change: p.Asp352Asn; replaces aspartic acid 352 with asparagine.
Molecular consequence: missense variant.
Genome position (GRCh38, 1-based): chr19:45,032,596, G>A. VCF-style: chr19-45032596-G-A. GRCh37 (hg19) VCF-style: chr19-45535854-G-A.
Other names: short protein forms D352N.
Identifiers: ClinVar variation 1520217 (VCV001520217.8), dbSNP rs761265324, ClinGen allele CA9507732.
Genomic context (GRCh38, chr19:45,032,596, plus strand): 5'-GACATATCAGTGGTGTTCAGCAGGGCCTCCTGGGAAGGTCGGGCTGACTTCTCCCAGGCC[G>A]ACGTGCACCGCCAGATTGCCATTGTGTTCAAGACGCCGCCCTACGAGGACCTGGAGATTG-3'
Protein context (NP_006500.2, residues 342-362): WEGRADFSQA[Asp352Asn]VHRQIAIVFK